The following is an entry in ClinVar:

ClinVar aggregate classification (germline): Likely pathogenic (1 of 4 stars; one submission).

Conditions:
Autosomal recessive polycystic kidney disease (ARPKD). Also called: AR polycystic kidney disease. Identifiers: Orphanet 731, Orphanet 8378, MedGen C0085548, MeSH D017044, MONDO:0009889.

Submission:

Natera, Inc.
Classification: Likely pathogenic for Autosomal recessive polycystic kidney disease. Last evaluated: 2026-01-23. Review status: criteria provided, single submitter. Criteria: Natera Variant Classification Schema (03/2026). Collection method: clinical testing. Allele origin: germline.
Comment: The c.7110-1G>A variant in PKHD1 is a canonical splice acceptor site variant predicted to affect pre-mRNA splicing, which may result in an abnormal transcript and altered protein product. This variant is expected to result in nonsense mediated decay, truncation, or a dysfunctional protein product. This variant is rare in the general population with a frequency below the threshold expected for the associated phenotype(s). Given the available evidence, this variant is classified as Likely Pathogenic.

NM_138694.4(PKHD1):c.7110-1G>A

Gene: PKHD1 (PKHD1 ciliary IPT domain containing fibrocystin/polyductin; minus strand). Cytogenetic location: 6p12.2.
Variant type: single nucleotide variant.
Coding change: c.7110-1G>A on transcript NM_138694.4 (MANE Select); the canonical splice acceptor site of the intron before coding-DNA position 7110, G replaced by A.
Molecular consequence: splice acceptor variant.
Genome position (GRCh38, 1-based): chr6:51,885,973, C>T on the plus strand (G>A on the coding strand, the complement: PKHD1 is on the minus strand). VCF-style: chr6-51885973-C-T. GRCh37 (hg19) VCF-style: chr6-51750771-C-T.
Other names: c.7110-1G>A (NM_170724.3).
Identifiers: ClinVar variation 4816734 (VCV004816734.1).